The following is an entry in ClinVar:

NM_000393.5(COL5A2):c.1567G>A (p.Ala523Thr)

Gene: COL5A2 (collagen type V alpha 2 chain; minus strand). Cytogenetic location: 2q32.2.
Variant type: single nucleotide variant.
Coding change: c.1567G>A on transcript NM_000393.5 (MANE Select); coding-DNA position 1567, G replaced by A.
Protein change: p.Ala523Thr; replaces alanine 523 with threonine.
Molecular consequence: missense variant.
Genome position (GRCh38, 1-based): chr2:189,065,054, C>T on the plus strand (G>A on the coding strand, the complement: COL5A2 is on the minus strand). VCF-style: chr2-189065054-C-T. GRCh37 (hg19) VCF-style: chr2-189929780-C-T.
Other names: short protein forms A523T.
Identifiers: ClinVar variation 4741458 (VCV004741458.1).

ClinVar aggregate classification (germline): Uncertain significance (1 of 4 stars; one submission).

Conditions:
Ehlers-Danlos syndrome, classic type, 1 (EDSCL1). Also called: EHLERS-DANLOS SYNDROME, GRAVIS TYPE; EHLERS-DANLOS SYNDROME, SEVERE CLASSIC TYPE; Ehlers-Danlos syndrome, type 1; Ehlers-Danlos Syndrome, Classic Type, COL5A1-Related; EDS I. Identifiers: MedGen C0268335, MONDO:0019567, OMIM 130000.

Submission:

Labcorp Genetics (formerly Invitae), Labcorp
Classification: Uncertain significance for Ehlers-Danlos syndrome, classic type, 1. Last evaluated: 2025-06-29. Review status: criteria provided, single submitter. Criteria: Invitae Variant Classification Sherloc (09022015). Collection method: clinical testing. Allele origin: germline.
Comment: This sequence change replaces alanine, which is neutral and non-polar, with threonine, which is neutral and polar, at codon 523 of the COL5A2 protein (p.Ala523Thr). This variant is not present in population databases (gnomAD no frequency). This variant has not been reported in the literature in individuals affected with COL5A2-related conditions. Invitae Evidence Modeling of protein sequence and biophysical properties (such as structural, functional, and spatial information, amino acid conservation, physicochemical variation, residue mobility, and thermodynamic stability) indicates that this missense variant is not expected to disrupt COL5A2 protein function with a negative predictive value of 80%. In summary, the available evidence is currently insufficient to determine the role of this variant in disease. Therefore, it has been classified as a Variant of Uncertain Significance.